The following is an entry in ClinVar:

NM_000515.5(GH1):c.473G>T (p.Ser158Ile)

Genes: GH-LCR (growth hormone locus control region; plus strand), GH1 (growth hormone 1; minus strand). Cytogenetic location: 17q23.3.
Variant type: single nucleotide variant.
Coding change: c.473G>T on transcript NM_000515.5 (MANE Select); coding-DNA position 473, G replaced by T.
Protein change: p.Ser158Ile; replaces serine 158 with isoleucine.
Molecular consequence: missense variant.
Genome position (GRCh38, 1-based): chr17:63,917,490, C>A on the plus strand (G>T on the coding strand, the complement: GH1 is on the minus strand). VCF-style: chr17-63917490-C-A. GRCh37 (hg19) VCF-style: chr17-61994850-C-A.
Other names: c.428G>T, p.Ser143Ile (NM_022559.4); c.353G>T, p.Ser118Ile (NM_022560.4); short protein forms S118I, S143I, S158I.
Identifiers: ClinVar variation 2444700 (VCV002444700.1), dbSNP rs1907401940, ClinGen allele CA400611175.

ClinVar aggregate classification (germline): Uncertain significance (1 of 4 stars; one submission).

Submission:

GeneDx
Classification: Uncertain significance. Last evaluated: 2022-09-14. Review status: criteria provided, single submitter. Criteria: GeneDx Variant Classification Process June 2021. Collection method: clinical testing. Allele origin: germline. Affected: yes.
Comment: Not observed at significant frequency in large population cohorts (gnomAD); In silico analysis supports that this missense variant has a deleterious effect on protein structure/function; Has not been previously published as pathogenic or benign to our knowledge